The following is an entry in ClinVar:

NM_004895.3:c.3006-45_3006-44del

Gene: NLRP3 (NLR family pyrin domain containing 3; plus strand). Cytogenetic location: 1q44.
Variant type: Deletion.
Identifiers: ClinVar variation 133258 (VCV000133258.1).

ClinVar aggregate classification (germline): not provided (0 of 4 stars; one submission).

Conditions:
Familial cold autoinflammatory syndrome 1 (FCAS1). Also called: CRYOPYRIN-ASSOCIATED PERIODIC SYNDROME 1; Familial cold inflammatory syndrome 1. Identifiers: Orphanet 47045, MedGen C4551895, MONDO:0007349, OMIM 120100.

Submission:

Unité médicale des maladies autoinflammatoires, CHRU Montpellier
No classification provided. Condition: Familial cold urticaria. Review status: no classification provided. Collection method: not provided. Allele origin: unknown.
Comment: also involved in OMIM 191900 and 607115